The following is an entry in ClinVar:

ClinVar aggregate classification (germline): Uncertain significance (1 of 4 stars; one submission).

Conditions:
Gorlin syndrome. Also called: Basal cell nevus syndrome; Nevoid Basal Cell Carcinoma Syndrome. Identifiers: Orphanet 377, MedGen C0004779, MONDO:0007187.

gnomAD v4.1: 2 of 1,614,120 alleles (0.00012%); highest among the groups gnomAD compares: East Asian, 0.0045%; no homozygotes.

Submission:

Labcorp Genetics (formerly Invitae), Labcorp
Classification: Uncertain significance for Gorlin syndrome. Last evaluated: 2024-06-12. Review status: criteria provided, single submitter. Criteria: Invitae Variant Classification Sherloc (09022015). Collection method: clinical testing. Allele origin: germline.
Comment: This sequence change replaces glutamine, which is neutral and polar, with histidine, which is basic and polar, at codon 714 of the PTCH1 protein (p.Gln714His). This variant is not present in population databases (gnomAD no frequency). This variant has not been reported in the literature in individuals affected with PTCH1-related conditions. Advanced modeling of protein sequence and biophysical properties (such as structural, functional, and spatial information, amino acid conservation, physicochemical variation, residue mobility, and thermodynamic stability) performed at Invitae indicates that this missense variant is not expected to disrupt PTCH1 protein function with a negative predictive value of 95%. In summary, the available evidence is currently insufficient to determine the role of this variant in disease. Therefore, it has been classified as a Variant of Uncertain Significance.

NM_000264.5(PTCH1):c.2142G>T (p.Gln714His)

Genes: PTCH1 (patched 1; minus strand), LOC100507346 (uncharacterized LOC100507346; plus strand). Cytogenetic location: 9q22.32.
Variant type: single nucleotide variant.
Coding change: c.2142G>T on transcript NM_000264.5 (MANE Select); coding-DNA position 2142, G replaced by T.
Protein change: p.Gln714His; replaces glutamine 714 with histidine.
Molecular consequence: missense variant. On other transcripts: non-coding transcript variant (2).
Genome position (GRCh38, 1-based): chr9:95,468,859, C>A on the plus strand (G>T on the coding strand, the complement: PTCH1 is on the minus strand). VCF-style: chr9-95468859-C-A. GRCh37 (hg19) VCF-style: chr9-98231141-C-A.
Other names: c.1689G>T, p.Gln563His (NM_001083607.3, NM_001083604.3, NM_001083605.3 and 1 more transcripts); c.1986G>T, p.Gln662His (NM_001354918.2); c.1944G>T, p.Gln648His (NM_001083602.3); c.2139G>T, p.Gln713His (NM_001083603.3); short protein forms Q563H, Q648H, Q662H, Q713H, Q714H.
Identifiers: ClinVar variation 3605116 (VCV003605116.2).